The following is an entry in ClinVar:

ClinVar aggregate classification (germline): Pathogenic (1 of 4 stars; one submission).

Submission:

Labcorp Genetics (formerly Invitae), Labcorp
Classification: Pathogenic. Last evaluated: 2024-12-16. Review status: criteria provided, single submitter. Criteria: Invitae Variant Classification Sherloc (09022015). Collection method: clinical testing. Allele origin: germline.
Comment: This sequence change creates a premature translational stop signal (p.Thr321Argfs*38) in the WFS1 gene. While this is not anticipated to result in nonsense mediated decay, it is expected to disrupt the last 570 amino acid(s) of the WFS1 protein. This variant is not present in population databases (gnomAD no frequency). This variant has not been reported in the literature in individuals affected with WFS1-related conditions. ClinVar contains an entry for this variant (Variation ID: 2808002). This variant disrupts a region of the WFS1 protein in which other variant(s) (p.Pro885Leu) have been determined to be pathogenic (PMID: 10521293, 16806192, 28432734). This suggests that this is a clinically significant region of the protein, and that variants that disrupt it are likely to be disease-causing. For these reasons, this variant has been classified as Pathogenic.

Literature cited by the submitters: PubMed 10521293; PubMed 16806192; PubMed 28432734.

NM_006005.3(WFS1):c.960del (p.Thr321fs)

Gene: WFS1 (wolframin ER transmembrane glycoprotein; plus strand). Cytogenetic location: 4p16.1.
Variant type: Deletion.
Coding change: c.960del on transcript NM_006005.3 (MANE Select); coding-DNA position 960, one base deleted (C; older notation c.960delC).
Protein change: p.Thr321fs; shifts the reading frame from threonine 321.
Molecular consequence: frameshift variant.
Genome position (GRCh38, 1-based): chr4:6,300,755, C deleted; the last of 4 consecutive C bases (chr4:6,300,752-6,300,755); deleting any one gives the same sequence. VCF-style (leftmost placement, unchanged base first): chr4-6300751-TC-T. GRCh37 (hg19) VCF-style: chr4-6302478-TC-T.
Other names: c.960del, p.Thr321fs (NM_001145853.1); short protein forms T321fs.
Identifiers: ClinVar variation 2808002 (VCV002808002.3), dbSNP rs2474192152, ClinGen allele CA2739270014.
Genomic context (GRCh38, chr4:6,300,751, plus strand): 5'-TCAAGGAGTACCTGATTGACATGGCCTCCAGGGCAGGCATGCACTGGCTGTCCACCATCA[TC>T]CCCACGCACCACATCAACGCGCTCATCTTCTTCTTCATCGTCAGCAACCTCACCATCGAC-3'